The following is an entry in ClinVar:

ClinVar aggregate classification (germline): Uncertain significance. Review status: criteria provided, multiple submitters, no conflicts (2 of 4 stars). 2 submissions from 2 submitters: Uncertain significance (2). Last evaluated 2024-06-26.

Conditions:
Familial cold autoinflammatory syndrome 3 (FCAS3). Also called: ANTIBODY DEFICIENCY AND IMMUNE DYSREGULATION, PLCG2-ASSOCIATED; FAMILIAL ATYPICAL COLD URTICARIA. Identifiers: Orphanet 300359, MedGen C3280914, MONDO:0013766, OMIM 614468.

Allele frequency attached by ClinVar (database versions not stated): ExAC 0.00001; gnomAD exomes 0.00001; TOPMed 0.00001; gnomAD 0.00001.
gnomAD v4.1: 18 of 1,606,982 alleles (0.0011%); highest among the groups gnomAD compares: African/African-American, 0.004%; no homozygotes.

Submissions (2):

Labcorp Genetics (formerly Invitae), Labcorp
Classification: Uncertain significance for Familial cold autoinflammatory syndrome 3. Last evaluated: 2024-06-26. Review status: criteria provided, single submitter. Criteria: Invitae Variant Classification Sherloc (09022015). Collection method: clinical testing. Allele origin: germline.
Comment: This sequence change replaces proline, which is neutral and non-polar, with leucine, which is neutral and non-polar, at codon 645 of the PLCG2 protein (p.Pro645Leu). This variant is present in population databases (rs781621510, gnomAD 0.008%). This variant has not been reported in the literature in individuals affected with PLCG2-related conditions. ClinVar contains an entry for this variant (Variation ID: 540094). An algorithm developed to predict the effect of missense changes on protein structure and function (PolyPhen-2) suggests that this variant is likely to be tolerated. In summary, the available evidence is currently insufficient to determine the role of this variant in disease. Therefore, it has been classified as a Variant of Uncertain Significance.

Breakthrough Genomics
Classification: Uncertain significance. Review status: criteria provided, single submitter. Criteria: ACMG Guidelines, 2015. Collection method: not provided. Allele origin: germline. Inheritance: Autosomal dominant inheritance. Affected: yes.

NM_002661.5(PLCG2):c.1934C>T (p.Pro645Leu)

Gene: PLCG2 (phospholipase C gamma 2; plus strand). Cytogenetic location: 16q23.3.
Variant type: single nucleotide variant.
Coding change: c.1934C>T on transcript NM_002661.5 (MANE Select); coding-DNA position 1934, C replaced by T.
Protein change: p.Pro645Leu; replaces proline 645 with leucine.
Molecular consequence: missense variant.
Genome position (GRCh38, 1-based): chr16:81,910,720, C>T. VCF-style: chr16-81910720-C-T. GRCh37 (hg19) VCF-style: chr16-81944325-C-T.
Other names: short protein forms P645L.
Identifiers: ClinVar variation 540094 (VCV000540094.11), dbSNP rs781621510, ClinGen allele CA8193986.